The following is an entry in ClinVar:

NM_003000.3(SDHB):c.794A>G (p.Glu265Gly)

Gene: SDHB (succinate dehydrogenase complex iron sulfur subunit B; minus strand). Cytogenetic location: 1p36.13.
Variant type: single nucleotide variant.
Coding change: c.794A>G on transcript NM_003000.3 (MANE Select); coding-DNA position 794, A replaced by G.
Protein change: p.Glu265Gly; replaces glutamic acid 265 with glycine.
Molecular consequence: missense variant.
Genome position (GRCh38, 1-based): chr1:17,018,930, T>C on the plus strand (A>G on the coding strand, the complement: SDHB is on the minus strand). VCF-style: chr1-17018930-T-C. GRCh37 (hg19) VCF-style: chr1-17345425-T-C.
Other names: c.740A>G, p.Glu247Gly (NM_001407361.1); short protein forms E247G, E265G.
Identifiers: ClinVar variation 2625090 (VCV002625090.3), dbSNP rs1469877501, ClinGen allele CA338268940.

ClinVar aggregate classification (germline): Uncertain significance (1 of 4 stars; one submission).

Conditions:
Hereditary cancer-predisposing syndrome. Also called: Neoplastic Syndromes, Hereditary; Tumor predisposition; Hereditary Cancer Syndrome; Hereditary neoplastic syndrome. Identifiers: Orphanet 140162, MedGen C0027672, MeSH D009386, MONDO:0015356.

Allele frequency attached by ClinVar (database versions not stated): TOPMed below 0.00001; gnomAD exomes 0.00001.
gnomAD v4.1: 9 of 1,612,756 alleles (0.00056%); highest among the groups gnomAD compares: Non-Finnish European, 0.00076%; no homozygotes.

Submission:

Ambry Genetics
Classification: Uncertain significance for Hereditary cancer-predisposing syndrome. Last evaluated: 2026-03-26. Review status: criteria provided, single submitter. Criteria: Ambry Variant Classification Scheme 2023. Collection method: clinical testing. Allele origin: germline.
Comment: The p.E265G variant (also known as c.794A>G), located in coding exon 8 of the SDHB gene, results from an A to G substitution at nucleotide position 794. The glutamic acid at codon 265 is replaced by glycine, an amino acid with similar properties. This amino acid position is conserved. In addition, this alteration is predicted to be deleterious by in silico analysis. Based on the available evidence, the clinical significance of this variant remains unclear.